The following is an entry in ClinVar:

NM_030777.4(SLC2A10):c.1547G>A (p.Arg516Gln)

Gene: SLC2A10 (solute carrier family 2 member 10; plus strand). Cytogenetic location: 20q13.12.
Variant type: single nucleotide variant.
Coding change: c.1547G>A on transcript NM_030777.4 (MANE Select); coding-DNA position 1547, G replaced by A.
Protein change: p.Arg516Gln; replaces arginine 516 with glutamine.
Molecular consequence: missense variant.
Genome position (GRCh38, 1-based): chr20:46,729,488, G>A. VCF-style: chr20-46729488-G-A. GRCh37 (hg19) VCF-style: chr20-45358127-G-A.
Other names: short protein forms R516Q.
Identifiers: ClinVar variation 644653 (VCV000644653.7), dbSNP rs760437795, ClinGen allele CA9892241.

ClinVar aggregate classification (germline): Uncertain significance. Review status: criteria provided, multiple submitters, no conflicts (2 of 4 stars). 2 submissions from 2 submitters: Uncertain significance (2). Last evaluated 2026-08-11.

Conditions:
Familial thoracic aortic aneurysm and aortic dissection (TAAD). Also called: Thoracic aortic aneurysms and dissections. Identifiers: Orphanet 91387, MedGen C4707243, MONDO:0019625.
Arterial tortuosity syndrome (ATORS). Identifiers: Orphanet 3342, MedGen C1859726, MONDO:0008818, OMIM 208050.

Allele frequency attached by ClinVar (database versions not stated): gnomAD 0.00003; TOPMed 0.00003.
gnomAD v4.1: 52 of 1,613,976 alleles (0.0032%); highest among the groups gnomAD compares: Admixed American, 0.0033%; no homozygotes.

Submissions (2):

Ambry Genetics
Classification: Uncertain significance for Familial thoracic aortic aneurysm and aortic dissection. Last evaluated: 2026-08-11. Review status: criteria provided, single submitter. Criteria: Ambry Variant Classification Scheme 2023. Collection method: clinical testing. Allele origin: germline.
Comment: The p.R516Q variant (also known as c.1547G>A), located in coding exon 4 of the SLC2A10 gene, results from a G to A substitution at nucleotide position 1547. The arginine at codon 516 is replaced by glutamine, an amino acid with highly similar properties. However, this change occurs in the last base pair of coding exon 4, which makes it likely to have some effect on normal mRNA splicing. This nucleotide position is highly conserved in available vertebrate species. This amino acid position is well conserved in available vertebrate species. In silico splice site analysis predicts that this alteration will weaken the native splice donor site and may result in the creation or strengthening of a novel splice donor site. In addition, as a missense substitution this is predicted to be tolerated by in silico analysis. Based on the available evidence, the clinical significance of this variant remains unclear.

Labcorp Genetics (formerly Invitae), Labcorp
Classification: Uncertain significance for Arterial tortuosity syndrome. Last evaluated: 2021-08-26. Review status: criteria provided, single submitter. Criteria: Invitae Variant Classification Sherloc (09022015). Collection method: clinical testing. Allele origin: germline.
Comment: This sequence change replaces arginine with glutamine at codon 516 of the SLC2A10 protein (p.Arg516Gln). The arginine residue is moderately conserved and there is a small physicochemical difference between arginine and glutamine. This variant also falls at the last nucleotide of exon 4, which is part of the consensus splice site for this exon. This variant is present in population databases (rs760437795, ExAC 0.02%). This variant has not been reported in the literature in individuals affected with SLC2A10-related conditions. Algorithms developed to predict the effect of missense changes on protein structure and function are either unavailable or do not agree on the potential impact of this missense change (SIFT: "Tolerated"; PolyPhen-2: "Possibly Damaging"; Align-GVGD: "Class C0"). Variants that disrupt the consensus splice site are a relatively common cause of aberrant splicing (PMID: 17576681, 9536098). Algorithms developed to predict the effect of sequence changes on RNA splicing suggest that this variant may disrupt the consensus splice site. In summary, the available evidence is currently insufficient to determine the role of this variant in disease. Therefore, it has been classified as a Variant of Uncertain Significance.

Literature cited by the submitters: PubMed 17576681 (cited by Labcorp Genetics (formerly Invitae), Labcorp); PubMed 9536098 (cited by Labcorp Genetics (formerly Invitae), Labcorp).